The following is an entry in ClinVar:

NM_001166108.2(PALLD):c.1965-12870T>A

Gene: PALLD (palladin, cytoskeletal associated protein; plus strand). Cytogenetic location: 4q32.3.
Variant type: single nucleotide variant.
Coding change: c.1965-12870T>A on transcript NM_001166108.2 (MANE Select); 12870 bases into the intron before coding-DNA position 1965, T replaced by A.
Molecular consequence: intron variant. On other transcripts: missense variant (1).
Genome position (GRCh38, 1-based): chr4:168,878,052, T>A. VCF-style: chr4-168878052-T-A. GRCh37 (hg19) VCF-style: chr4-169799203-T-A.
Other names: c.161T>A, p.Met54Lys (NM_001166110.2); c.1965-12870T>A (NM_016081.4); c.819-12870T>A (NM_001166109.2); c.-157-12870T>A (NM_001367570.1, NM_001367568.1, NM_001367567.1 and 1 more transcripts); short protein forms M54K.
Identifiers: ClinVar variation 4564131 (VCV004564131.1).
Genomic context (GRCh38, chr4:168,878,052, plus strand): 5'-CCGCGTCGGGCCACGGCACGCCGGCCTCCAGCCCCAGCTCGTCCAGCCTCCCGTCGCCCA[T>A]GTCCCCGACGCCGAGGCAGTTCGGCCGCGCCCCCGTGCCGCCCTTCGCGCAGCCCTTCGG-3'

ClinVar aggregate classification (germline): Uncertain significance (1 of 4 stars; one submission).

Submission:

Ambry Genetics
Classification: Uncertain significance. Last evaluated: 2025-11-04. Review status: criteria provided, single submitter. Criteria: Ambry Variant Classification Scheme 2023. Collection method: clinical testing. Allele origin: germline.
Comment: The p.M54K variant (also known as c.161T>A), located in coding exon 1 of the PALLD gene, results from a T to A substitution at nucleotide position 161. The methionine at codon 54 is replaced by lysine, an amino acid with similar properties. This amino acid position is conserved. In addition, this alteration is predicted to be tolerated by in silico analysis. Based on the available evidence, the clinical significance of this variant remains unclear.